The following is an entry in ClinVar:

ClinVar aggregate classification (germline): Uncertain significance (1 of 4 stars; one submission).

Conditions:
Microcephaly-intellectual disability-sensorineural hearing loss-epilepsy-abnormal muscle tone syndrome (NEDHSB). Also called: NEURODEVELOPMENTAL DISORDER WITH HEARING LOSS, SEIZURES, AND BRAIN ABNORMALITIES. Identifiers: Orphanet 457351, MedGen C4225276, MONDO:0014698, OMIM 616577.

Allele frequency attached by ClinVar (database versions not stated): gnomAD exomes below 0.00001; ExAC 0.00001; TOPMed 0.00002; gnomAD 0.00003 and 0.00004; ESP Exome Variant Server 0.00008.
gnomAD v4.1: 5 of 1,613,744 alleles (0.00031%); highest among the groups gnomAD compares: African/African-American, 0.004%; no homozygotes.

Submission:

Labcorp Genetics (formerly Invitae), Labcorp
Classification: Uncertain significance for Microcephaly-intellectual disability-sensorineural hearing loss-epilepsy-abnormal muscle tone syndrome. Last evaluated: 2024-10-30. Review status: criteria provided, single submitter. Criteria: Invitae Variant Classification Sherloc (09022015). Collection method: clinical testing. Allele origin: germline.
Comment: This sequence change replaces lysine, which is basic and polar, with arginine, which is basic and polar, at codon 110 of the SPATA5 protein (p.Lys110Arg). The frequency data for this variant in the population databases is considered unreliable, as metrics indicate poor data quality at this position in the gnomAD database. This variant has not been reported in the literature in individuals affected with SPATA5-related conditions. ClinVar contains an entry for this variant (Variation ID: 845178). Invitae Evidence Modeling of protein sequence and biophysical properties (such as structural, functional, and spatial information, amino acid conservation, physicochemical variation, residue mobility, and thermodynamic stability) has been performed for this missense variant. However, the output from this modeling did not meet the statistical confidence thresholds required to predict the impact of this variant on SPATA5 protein function. In summary, the available evidence is currently insufficient to determine the role of this variant in disease. Therefore, it has been classified as a Variant of Uncertain Significance.

NM_145207.3(AFG2A):c.329A>G (p.Lys110Arg)

Gene: AFG2A (AAA ATPase AFG2A; plus strand). Cytogenetic location: 4q28.1.
Variant type: single nucleotide variant.
Coding change: c.329A>G on transcript NM_145207.3 (MANE Select); coding-DNA position 329, A replaced by G.
Protein change: p.Lys110Arg; replaces lysine 110 with arginine.
Molecular consequence: missense variant.
Genome position (GRCh38, 1-based): chr4:122,929,080, A>G. VCF-style: chr4-122929080-A-G. GRCh37 (hg19) VCF-style: chr4-123850235-A-G.
Other names: c.326A>G, p.Lys109Arg (NM_001317799.2, NM_001345856.2); short protein forms K109R, K110R.
Identifiers: ClinVar variation 845178 (VCV000845178.6), dbSNP rs369201362, ClinGen allele CA3070190.
Genomic context (GRCh38, chr4:122,929,080, plus strand): 5'-TTATTTCCTCTGTCTGGCAGGTGTATACAGCCTGGCCTATGGCAGGATTTCCTGGAGGCA[A>G]GGTCGGCCTGAGTGAAATGGCACAGAAAAATGTGGGTGTGAGGCCTGGTGATGCCATCCA-3'
Protein context (NP_660208.2, residues 100-120): AWPMAGFPGG[Lys110Arg]VGLSEMAQKN